The following is an entry in ClinVar:

ClinVar aggregate classification (germline): Uncertain significance. Review status: criteria provided, multiple submitters, no conflicts (2 of 4 stars). 4 submissions from 4 submitters: Uncertain significance (3). 1 of the submissions does not count toward it. Last evaluated 2025-08-05.

Conditions:
Inborn genetic diseases. Identifiers: MedGen C0950123, MeSH D030342.
PHGDH deficiency. Identifiers: Orphanet 79351, MedGen C1866174, MONDO:0011152, OMIM 601815.
PHGDH-related disorder. Also called: PHGDH-related condition.

Allele frequency attached by ClinVar (database versions not stated): ExAC 0.00001; gnomAD 0.00002; TOPMed 0.00002; gnomAD exomes 0.00004.
gnomAD v4.1: 49 of 1,612,434 alleles (0.003%); highest among the groups gnomAD compares: South Asian, 0.0099%; no homozygotes.

Submissions (4):

PreventionGenetics, part of Exact Sciences
Classification: Uncertain significance for PHGDH-related condition. Last evaluated: 2025-08-05. Review status: criteria provided, single submitter. Criteria: ACMG Guidelines, 2015. Collection method: clinical testing. Allele origin: germline.
Comment: The PHGDH c.788C>T variant is predicted to result in the amino acid substitution p.Thr263Met. To our knowledge, this variant has not been reported in the literature. This variant is reported in 0.020% of alleles in individuals of South Asian descent in gnomAD. At this time, the clinical significance of this variant is uncertain due to the absence of conclusive functional and genetic evidence.

Ambry Genetics
Classification: Uncertain significance for Inborn genetic diseases. Last evaluated: 2024-12-04. Review status: criteria provided, single submitter. Criteria: Ambry Variant Classification Scheme 2023. Collection method: clinical testing. Allele origin: germline.

Labcorp Genetics (formerly Invitae), Labcorp
Classification: Uncertain significance for PHGDH deficiency. Last evaluated: 2022-10-13. Review status: criteria provided, single submitter. Criteria: Invitae Variant Classification Sherloc (09022015). Collection method: clinical testing. Allele origin: germline.
Comment: This sequence change replaces threonine, which is neutral and polar, with methionine, which is neutral and non-polar, at codon 263 of the PHGDH protein (p.Thr263Met). This variant is present in population databases (rs773221019, gnomAD 0.02%). This variant has not been reported in the literature in individuals affected with PHGDH-related conditions. ClinVar contains an entry for this variant (Variation ID: 646848). Advanced modeling of protein sequence and biophysical properties (such as structural, functional, and spatial information, amino acid conservation, physicochemical variation, residue mobility, and thermodynamic stability) performed at Invitae indicates that this missense variant is not expected to disrupt PHGDH protein function. In summary, the available evidence is currently insufficient to determine the role of this variant in disease. Therefore, it has been classified as a Variant of Uncertain Significance.

Natera, Inc.
Classification: Uncertain significance for Phosphoglycerate dehydrogenase deficiency. Last evaluated: 2020-08-03. Review status: no assertion criteria provided. Collection method: clinical testing. Allele origin: germline. Not counted in ClinVar's aggregate classification.

NM_006623.4(PHGDH):c.788C>T (p.Thr263Met)

Gene: PHGDH (phosphoglycerate dehydrogenase; plus strand). Cytogenetic location: 1p12.
Variant type: single nucleotide variant.
Coding change: c.788C>T on transcript NM_006623.4 (MANE Select); coding-DNA position 788, C replaced by T.
Protein change: p.Thr263Met; replaces threonine 263 with methionine.
Molecular consequence: missense variant.
Genome position (GRCh38, 1-based): chr1:119,735,439, C>T. VCF-style: chr1-119735439-C-T. GRCh37 (hg19) VCF-style: chr1-120278062-C-T.
Other names: short protein forms T263M.
Identifiers: ClinVar variation 646848 (VCV000646848.11), dbSNP rs773221019, ClinGen allele CA1037244.